The following is an entry in ClinVar:

ClinVar aggregate classification (germline): Uncertain significance. Review status: criteria provided, multiple submitters, no conflicts (2 of 4 stars). 2 submissions from 2 submitters: Uncertain significance (2). Last evaluated 2025-11-26.

Conditions:
Spastic paraplegia. Identifiers: MedGen C0037772, HP:0001258.
Inborn genetic diseases. Identifiers: MedGen C0950123, MeSH D030342.

Allele frequency attached by ClinVar (database versions not stated): TOPMed 0.00001; ExAC 0.00003; gnomAD exomes 0.00001.

Submissions (2):

Ambry Genetics
Classification: Uncertain significance for Inborn genetic diseases. Last evaluated: 2025-11-26. Review status: criteria provided, single submitter. Criteria: Ambry Variant Classification Scheme 2023. Collection method: clinical testing. Allele origin: germline.

Labcorp Genetics (formerly Invitae), Labcorp
Classification: Uncertain significance for Spastic paraplegia. Last evaluated: 2022-10-05. Review status: criteria provided, single submitter. Criteria: Invitae Variant Classification Sherloc (09022015). Collection method: clinical testing. Allele origin: germline.
Comment: This sequence change replaces glutamic acid, which is acidic and polar, with lysine, which is basic and polar, at codon 318 of the ZFYVE26 protein (p.Glu318Lys). This variant is present in population databases (rs758568084, gnomAD 0.002%). This variant has not been reported in the literature in individuals affected with ZFYVE26-related conditions. ClinVar contains an entry for this variant (Variation ID: 528008). Algorithms developed to predict the effect of missense changes on protein structure and function (SIFT, PolyPhen-2, Align-GVGD) all suggest that this variant is likely to be tolerated. In summary, the available evidence is currently insufficient to determine the role of this variant in disease. Therefore, it has been classified as a Variant of Uncertain Significance.

NM_015346.4(ZFYVE26):c.952G>A (p.Glu318Lys)

Gene: ZFYVE26 (zinc finger FYVE-type containing 26; minus strand). Cytogenetic location: 14q24.1.
Variant type: single nucleotide variant.
Coding change: c.952G>A on transcript NM_015346.4 (MANE Select); coding-DNA position 952, G replaced by A.
Protein change: p.Glu318Lys; replaces glutamic acid 318 with lysine.
Molecular consequence: missense variant.
Genome position (GRCh38, 1-based): chr14:67,806,610, C>T on the plus strand (G>A on the coding strand, the complement: ZFYVE26 is on the minus strand). VCF-style: chr14-67806610-C-T. GRCh37 (hg19) VCF-style: chr14-68273327-C-T.
Other names: short protein forms E318K.
Identifiers: ClinVar variation 528008 (VCV000528008.5), dbSNP rs758568084, ClinGen allele CA7240655.
Genomic context (GRCh38, chr14:67,806,610, plus strand): 5'-TCTGCTCGAGGAAGTGTTTGTTGTTGCTCAGGCAGTAGAAATAGGCCACTTTCCAAGCCT[C>T]GGCTGGGTTGGGATTGGAGAACAGGGCTAGCATTGCCCGCTCAGGATCTAGATGATCCGG-3'
Protein context (NP_056161.2, residues 308-328): LALFSNPNPA[Glu318Lys]AWKVAYFYCL